The following is an entry in ClinVar:

ClinVar aggregate classification (germline): Uncertain significance (1 of 4 stars; one submission).

Conditions:
Hypertrophic cardiomyopathy. Also called: HYPERTROPHIC MYOCARDIOPATHY. Identifiers: Orphanet 217569, MedGen C0007194, MeSH D002312, MONDO:0005045, HP:0001639.

Submission:

Labcorp Genetics (formerly Invitae), Labcorp
Classification: Uncertain significance for Hypertrophic cardiomyopathy. Last evaluated: 2024-12-09. Review status: criteria provided, single submitter. Criteria: Invitae Variant Classification Sherloc (09022015). Collection method: clinical testing. Allele origin: germline.
Comment: This sequence change creates a premature translational stop signal (p.Tyr308Thrfs*45) in the MYH7 gene. It is expected to result in an absent or disrupted protein product. However, the current clinical and genetic evidence is not sufficient to establish whether loss-of-function variants in MYH7 cause disease. This variant is not present in population databases (gnomAD no frequency). This variant has not been reported in the literature in individuals affected with MYH7-related conditions. In summary, the available evidence is currently insufficient to determine the role of this variant in disease. Therefore, it has been classified as a Variant of Uncertain Significance.

NM_000257.4(MYH7):c.922del (p.Tyr308fs)

Gene: MYH7 (myosin heavy chain 7; minus strand). Cytogenetic location: 14q11.2.
Variant type: Deletion.
Coding change: c.922del on transcript NM_000257.4 (MANE Select); coding-DNA position 922, one base deleted (T; older notation c.922delT).
Protein change: p.Tyr308fs; shifts the reading frame from tyrosine 308.
Molecular consequence: frameshift variant.
Genome position (GRCh38, 1-based): chr14:23,430,637, A deleted on the plus strand (T on the coding strand, the reverse complement: MYH7 is on the minus strand). VCF-style (leftmost placement, unchanged base first): chr14-23430636-TA-T. GRCh37 (hg19) VCF-style: chr14-23899845-TA-T.
Other names: c.922del, p.Tyr308fs (NM_001407004.1); short protein forms Y308fs.
Identifiers: ClinVar variation 3726279 (VCV003726279.2).